The following is an entry in ClinVar:

ClinVar aggregate classification (germline): Benign/Likely benign. Review status: criteria provided, multiple submitters, no conflicts (2 of 4 stars). 6 submissions from 6 submitters: Benign (5); Likely benign (1). Last evaluated 2025-01-08.

Conditions:
Hereditary pheochromocytoma and paraganglioma. Also called: Hereditary Paraganglioma-Pheochromocytoma Syndromes; Hereditary paragangliomas and pheochromocytomas; Hereditary pheochromocytoma-paraganglioma. Identifiers: Orphanet 29072, MedGen C4274332, MONDO:0017366.
Hereditary cancer-predisposing syndrome. Also called: Hereditary neoplastic syndrome; Tumor predisposition; Hereditary Cancer Syndrome; Neoplastic Syndromes, Hereditary. Identifiers: Orphanet 140162, MedGen C0027672, MeSH D009386, MONDO:0015356.

Allele frequency attached by ClinVar (database versions not stated): ESP Exome Variant Server 0.06941; gnomAD exomes 0.07493 and 0.09320; TOPMed 0.07863; gnomAD 0.08037 and 0.08496; ExAC 0.10287; 1000 Genomes Project 30x 0.12711; 1000 Genomes Project 0.12879.

Submissions (6):

Hereditary Cancer Laboratory, Hospital Universitario 12 de Octubre
Classification: Benign for Hereditary cancer-predisposing syndrome. Last evaluated: 2025-01-08. Review status: criteria provided, single submitter. Criteria: ACMG Guidelines, 2015. Collection method: clinical testing. Allele origin: germline.
Comment: BA1+BP6

Blueprint Genetics
Classification: Likely benign. Last evaluated: 2024-11-26. Review status: criteria provided, single submitter. Criteria: ACMG Guidelines, 2015. Collection method: clinical testing. Allele origin: germline.

Illumina Laboratory Services, Illumina
Classification: Benign for Hereditary Paraganglioma-Pheochromocytoma Syndromes. Last evaluated: 2018-01-13. Review status: criteria provided, single submitter. Criteria: ICSL Variant Classification Criteria 13 December 2019. Collection method: clinical testing. Allele origin: germline.
Comment: This variant was observed in the ICSL laboratory as part of a predisposition screen in an ostensibly healthy population. It had not been previously curated by ICSL or reported in the Human Gene Mutation Database (HGMD: prior to June 1st, 2018), and was therefore a candidate for classification through an automated scoring system. Utilizing variant allele frequency, disease prevalence and penetrance estimates, and inheritance mode, an automated score was calculated to assess if this variant is too frequent to cause the disease. Based on the score and internal cut-off values, a variant classified as benign is not then subjected to further curation. The score for this variant resulted in a classification of benign for this disease.

Eurofins Ntd Llc (ga)
Classification: Benign. Last evaluated: 2016-02-25. Review status: criteria provided, single submitter. Criteria: EGL Classification Definitions 2015. Collection method: clinical testing. Allele origin: germline. Observed: 1 variant allele, 1 heterozygote.

GeneDx
Classification: Benign. Last evaluated: 2015-03-03. Review status: criteria provided, single submitter. Criteria: GeneDx Variant Classification Process June 2021. Collection method: clinical testing. Allele origin: germline. Affected: yes.

Breakthrough Genomics
Classification: Benign. Review status: criteria provided, single submitter. Criteria: ACMG Guidelines, 2015. Collection method: not provided. Allele origin: germline. Inheritance: Autosomal dominant inheritance. Affected: yes.

NM_003001.5(SDHC):c.*123C>G

Gene: SDHC (succinate dehydrogenase complex subunit C; plus strand). Cytogenetic location: 1q23.3.
Variant type: single nucleotide variant.
Coding change: c.*123C>G on transcript NM_003001.5 (MANE Select); 123 bases downstream of the stop codon, C replaced by G.
Molecular consequence: 3 prime UTR variant.
Genome position (GRCh38, 1-based): chr1:161,362,556, C>G. VCF-style: chr1-161362556-C-G. GRCh37 (hg19) VCF-style: chr1-161332346-C-G.
Other names: c.*16C>G (NM_001035511.3, NM_001278172.3, NM_001407121.1); c.*123C>G (NM_001035512.3, NM_001035513.3, NM_001407115.1 and 5 more transcripts).
Identifiers: ClinVar variation 286523 (VCV000286523.14), dbSNP rs3813632, ClinGen allele CA045861.